The following is an entry in ClinVar:

ClinVar aggregate classification (germline): Likely pathogenic (1 of 4 stars; one submission).

Conditions:
Citrullinemia. Identifiers: Orphanet 187, MedGen C0175683, MONDO:0015991.

gnomAD v4.1: 1 of 1,612,050 alleles (0.000062%); highest among the groups gnomAD compares: East Asian, 0.0022%; no homozygotes.

Submission:

Natera, Inc.
Classification: Likely pathogenic for Citrullinemia. Last evaluated: 2024-10-23. Review status: criteria provided, single submitter. Criteria: Natera Variant Classification Schema (03/2026). Collection method: clinical testing. Allele origin: germline.
Comment: The c.16-2A>T variant in SLC25A13 is a canonical splice acceptor site variant predicted to affect pre-mRNA splicing, which may result in an abnormal transcript and altered protein product. This variant may result in a truncated or dysfunctional protein product. This variant is rare in the general population with a frequency below the threshold expected for the associated phenotype(s). This variant has been observed in one or more individuals affected with the associated recessive disease, as either homozygous or compound heterozygous with a second variant (PMID: 24069319). Given the available evidence, this variant is classified as Likely Pathogenic.

Literature cited by the submitters: PubMed 24069319.

NM_014251.3(SLC25A13):c.16-2A>T

Gene: SLC25A13 (solute carrier family 25 member 13; minus strand). Cytogenetic location: 7q21.3.
Variant type: single nucleotide variant.
Coding change: c.16-2A>T on transcript NM_014251.3 (MANE Select); the canonical splice acceptor site of the intron before coding-DNA position 16, A replaced by T.
Molecular consequence: splice acceptor variant.
Genome position (GRCh38, 1-based): chr7:96,296,953, T>A on the plus strand (A>T on the coding strand, the complement: SLC25A13 is on the minus strand). VCF-style: chr7-96296953-T-A. GRCh37 (hg19) VCF-style: chr7-95926265-T-A.
Other names: c.16-2A>T (NM_001160210.2).
Identifiers: ClinVar variation 4815631 (VCV004815631.1).